The following is an entry in ClinVar:

ClinVar aggregate classification (germline): Conflicting classifications of pathogenicity. Review status: criteria provided, conflicting classifications (1 of 4 stars). 15 submissions from 11 submitters: Uncertain significance (2); Benign (4); Likely benign (6). 3 of the submissions do not count toward it. Last evaluated 2026-03-01.

Conditions:
Joubert syndrome. Also called: Familial aplasia of the vermis; JOUBERT-BOLTSHAUSER SYNDROME. Identifiers: Orphanet 475, MedGen C5979921, MONDO:0018772.
Nephronophthisis. Also called: Juvenile Nephronophthisis. Identifiers: Orphanet 655, MedGen C0687120, MONDO:0019005, HP:0000090.
Meckel-Gruber syndrome. Also called: DYSENCEPHALIA SPLANCHNOCYSTICA; Dysencephalia splachnocystica; GRUBER SYNDROME. Identifiers: Orphanet 564, MedGen C0265215, MONDO:0018921.
Meckel syndrome, type 4 (MKS4). Also called: MECKEL-GRUBER SYNDROME, TYPE 4. Identifiers: Orphanet 564, MedGen C1970161, MONDO:0012626, OMIM 611134.
Bardet-Biedl syndrome 14 (BBS14). Identifiers: Orphanet 110, MedGen C2673874, MONDO:0014442, OMIM 615991.
Senior-Loken syndrome 6 (SLSN6). Identifiers: Orphanet 3156, MedGen C1857779, MONDO:0012433, OMIM 610189.
Leber congenital amaurosis 10 (LCA10). Identifiers: Orphanet 65, MedGen C1857821, MONDO:0012723, OMIM 611755.
Joubert syndrome 5 (JBTS5). Identifiers: Orphanet 2318, MedGen C1857780, MONDO:0012432, OMIM 610188.

Allele frequency attached by ClinVar (database versions not stated): gnomAD exomes 0.00032 and 0.00089; ExAC 0.00184; ESP Exome Variant Server 0.00288; gnomAD 0.00339 and 0.00371; TOPMed 0.00341; 1000 Genomes Project 30x 0.00344; 1000 Genomes Project 0.00379.
gnomAD v4.1: 946 of 1,489,388 alleles (0.064%); highest among the groups gnomAD compares: African/African-American, 1.2%; 3 homozygotes.

Submissions (15):

CeGaT Center for Human Genetics Tuebingen
Classification: Likely benign. Last evaluated: 2026-03-01. Review status: criteria provided, single submitter. Criteria: CeGaT Center For Human Genetics Tuebingen Variant Classification Criteria Version 2. Collection method: clinical testing. Allele origin: germline. Affected: yes. Observed: 3 variant alleles.
Comment: CEP290: BP4, BS1

Labcorp Genetics (formerly Invitae), Labcorp
Classification: Benign for Joubert syndrome; Meckel-Gruber syndrome; Nephronophthisis. Last evaluated: 2026-02-02. Review status: criteria provided, single submitter. Criteria: Invitae Variant Classification Sherloc (09022015). Collection method: clinical testing. Allele origin: germline.

Mayo Clinic Laboratories, Mayo Clinic
Classification: Likely benign. Last evaluated: 2025-03-05. Review status: criteria provided, single submitter. Criteria: ACMG Guidelines, 2015. Collection method: clinical testing. Allele origin: germline. Observed: 1 variant allele.
Comment: BS1, BP4, BP7

Blueprint Genetics
Classification: Likely benign. Last evaluated: 2024-10-10. Review status: criteria provided, single submitter. Criteria: ACMG Guidelines, 2015. Collection method: clinical testing. Allele origin: germline.

Genetic Services Laboratory, University of Chicago
Classification: Benign. Last evaluated: 2021-07-16. Review status: criteria provided, single submitter. Criteria: ACMG Guidelines, 2015. Collection method: clinical testing. Allele origin: germline. Affected: no.

GeneDx
Classification: Likely benign. Last evaluated: 2018-04-17. Review status: criteria provided, single submitter. Criteria: GeneDx Variant Classification (06012015). Collection method: clinical testing. Allele origin: germline. Affected: yes.
Comment: This variant is considered likely benign or benign based on one or more of the following criteria: it is a conservative change, it occurs at a poorly conserved position in the protein, it is predicted to be benign by multiple in silico algorithms, and/or has population frequency not consistent with disease.

Illumina Laboratory Services, Illumina
Classification: Uncertain significance for Meckel syndrome, type 4. Last evaluated: 2018-01-12. Review status: criteria provided, single submitter. Criteria: ICSL Variant Classification Criteria 13 December 2019. Collection method: clinical testing. Allele origin: germline.

Illumina Laboratory Services, Illumina
Classification: Uncertain significance for Leber congenital amaurosis 10. Last evaluated: 2018-01-12. Review status: criteria provided, single submitter. Criteria: ICSL Variant Classification Criteria 13 December 2019. Collection method: clinical testing. Allele origin: germline.

Illumina Laboratory Services, Illumina
Classification: Likely benign for Joubert syndrome 5. Last evaluated: 2018-01-12. Review status: criteria provided, single submitter. Criteria: ICSL Variant Classification Criteria 13 December 2019. Collection method: clinical testing. Allele origin: germline.
Comment: This variant was observed in the ICSL laboratory as part of a predisposition screen in an ostensibly healthy population. It had not been previously curated by ICSL or reported in the Human Gene Mutation Database (HGMD: prior to June 1st, 2018), and was therefore a candidate for classification through an automated scoring system. Utilizing variant allele frequency, disease prevalence and penetrance estimates, and inheritance mode, an automated score was calculated to assess if this variant is too frequent to cause the disease. Based on the score and internal cut-off values, a variant classified as likely benign is not then subjected to further curation. The score for this variant resulted in a classification of likely benign for this disease.

Illumina Laboratory Services, Illumina
Classification: Benign for Senior-Loken syndrome 6. Last evaluated: 2018-01-12. Review status: criteria provided, single submitter. Criteria: ICSL Variant Classification Criteria 13 December 2019. Collection method: clinical testing. Allele origin: germline.
Comment: This variant was observed in the ICSL laboratory as part of a predisposition screen in an ostensibly healthy population. It had not been previously curated by ICSL or reported in the Human Gene Mutation Database (HGMD: prior to June 1st, 2018), and was therefore a candidate for classification through an automated scoring system. Utilizing variant allele frequency, disease prevalence and penetrance estimates, and inheritance mode, an automated score was calculated to assess if this variant is too frequent to cause the disease. Based on the score and internal cut-off values, a variant classified as benign is not then subjected to further curation. The score for this variant resulted in a classification of benign for this disease.

Illumina Laboratory Services, Illumina
Classification: Likely benign for Bardet-Biedl syndrome 14. Last evaluated: 2018-01-12. Review status: criteria provided, single submitter. Criteria: ICSL Variant Classification Criteria 13 December 2019. Collection method: clinical testing. Allele origin: germline.
Comment: the same text as in the submission from Illumina Laboratory Services, Illumina above.

Eurofins Ntd Llc (ga)
Classification: Benign. Last evaluated: 2015-02-24. Review status: criteria provided, single submitter. Criteria: EGL Classification Definitions 2015. Collection method: clinical testing. Allele origin: germline. Observed: 1 variant allele, 1 heterozygote.

Clinical Genetics, Academic Medical Center
Classification: Benign. Review status: no assertion criteria provided. Collection method: clinical testing. Allele origin: germline. Affected: yes. Study: VKGL Data-share Consensus. Not counted in ClinVar's aggregate classification.

Genome Diagnostics Laboratory, University Medical Center Utrecht
Classification: Benign. Review status: no assertion criteria provided. Collection method: clinical testing. Allele origin: germline. Affected: yes. Study: VKGL Data-share Consensus. Not counted in ClinVar's aggregate classification.

Laboratory of Diagnostic Genome Analysis, Leiden University Medical Center (LUMC)
Classification: Likely benign. Review status: no assertion criteria provided. Collection method: clinical testing. Allele origin: germline. Affected: yes. Study: VKGL Data-share Consensus. Not counted in ClinVar's aggregate classification.

NM_025114.4(CEP290):c.1522+6C>T

Gene: CEP290 (centrosomal protein 290; minus strand). Cytogenetic location: 12q21.32.
Variant type: single nucleotide variant.
Coding change: c.1522+6C>T on transcript NM_025114.4 (MANE Select); 6 bases into the intron after coding-DNA position 1522, C replaced by T.
Molecular consequence: intron variant.
Genome position (GRCh38, 1-based): chr12:88,120,108, G>A on the plus strand (C>T on the coding strand, the complement: CEP290 is on the minus strand). VCF-style: chr12-88120108-G-A. GRCh37 (hg19) VCF-style: chr12-88513885-G-A.
Other names: p.?.
Identifiers: ClinVar variation 194563 (VCV000194563.52), dbSNP rs148446546, ClinGen allele CA201235.